The following is an entry in ClinVar:

NM_001267550.2(TTN):c.82551C>G (p.Thr27517=)

Genes: TTN (titin; minus strand), TTN-AS1 (TTN antisense RNA 1; plus strand). Cytogenetic location: 2q31.2.
Variant type: single nucleotide variant.
Coding change: c.82551C>G on transcript NM_001267550.2 (MANE Select); coding-DNA position 82551, C replaced by G.
Protein change: p.Thr27517=; no amino-acid change (threonine 27517 retained).
Molecular consequence: synonymous variant.
Genome position (GRCh38, 1-based): chr2:178,563,581, G>C on the plus strand (C>G on the coding strand, the complement: TTN is on the minus strand). VCF-style: chr2-178563581-G-C. GRCh37 (hg19) VCF-style: chr2-179428308-G-C.
Other names: c.74847C>G, p.Thr24949= (NM_133378.4); c.77628C>G, p.Thr25876= (NM_001256850.1); c.55356C>G, p.Thr18452= (NM_003319.4); c.55731C>G, p.Thr18577= (NM_133432.3); c.55932C>G, p.Thr18644= (NM_133437.4).
Identifiers: ClinVar variation 504747 (VCV000504747.19), dbSNP rs373634657, ClinGen allele CA1989051.

ClinVar aggregate classification (germline): Likely benign. Review status: criteria provided, multiple submitters, no conflicts (2 of 4 stars). 5 submissions from 5 submitters: Likely benign (5). Last evaluated 2025-12-22.

Conditions:
Dilated cardiomyopathy 1G (CMD1G). Identifiers: Orphanet 154, MedGen C1858763, MONDO:0011400, OMIM 604145.
Autosomal recessive limb-girdle muscular dystrophy type 2J (LGMDR10). Also called: Limb-girdle muscular dystrophy, type 2J; MUSCULAR DYSTROPHY, LIMB-GIRDLE, AUTOSOMAL RECESSIVE 10. Identifiers: Orphanet 140922, MedGen C1837342, MONDO:0012127, OMIM 608807.
Cardiovascular phenotype. Identifiers: MedGen CN230736.

Allele frequency attached by ClinVar (database versions not stated): gnomAD 0.00002; gnomAD exomes 0.00002; TOPMed 0.00002; ExAC 0.00003; ESP Exome Variant Server 0.00008.
gnomAD v4.1: 17 of 1,613,636 alleles (0.0011%); highest among the groups gnomAD compares: African/African-American, 0.0027%; no homozygotes.

Submissions (5):

Labcorp Genetics (formerly Invitae), Labcorp
Classification: Likely benign for Dilated cardiomyopathy 1G; Autosomal recessive limb-girdle muscular dystrophy type 2J. Last evaluated: 2025-12-22. Review status: criteria provided, single submitter. Criteria: Invitae Variant Classification Sherloc (09022015). Collection method: clinical testing. Allele origin: germline.

Women's Health and Genetics/Laboratory Corporation of America, LabCorp
Classification: Likely benign. Last evaluated: 2025-12-19. Review status: criteria provided, single submitter. Criteria: LabCorp Variant Classification Summary - May 2015. Collection method: clinical testing. Allele origin: germline.

Blueprint Genetics
Classification: Likely benign. Last evaluated: 2019-10-17. Review status: criteria provided, single submitter. Criteria: ACMG Guidelines, 2015. Collection method: clinical testing. Allele origin: germline.

Ambry Genetics
Classification: Likely benign for Cardiovascular phenotype. Last evaluated: 2018-02-13. Review status: criteria provided, single submitter. Criteria: Ambry Variant Classification Scheme 2023. Collection method: clinical testing. Allele origin: germline.

Laboratory for Molecular Medicine, Mass General Brigham Personalized Medicine
Classification: Likely benign. Last evaluated: 2016-11-07. Review status: criteria provided, single submitter. Criteria: LMM Criteria. Collection method: clinical testing. Allele origin: germline. Observed: 1 variant allele.
Comment: p.Thr24949Thr in exon 275 of TTN: This variant is not expected to have clinical significance because it does not alter an amino acid residue and is not located within the splice consensus sequence. It has been identified in 4/66720 European chromosomes by the Exome Aggregation Consortium (ExAC; dbSNP rs373634657).